The following is an entry in ClinVar:

ClinVar aggregate classification (germline): Uncertain significance (1 of 4 stars; one submission).

Conditions:
Hereditary cancer-predisposing syndrome. Also called: Neoplastic Syndromes, Hereditary; Hereditary Cancer Syndrome; Tumor predisposition; Hereditary neoplastic syndrome. Identifiers: Orphanet 140162, MedGen C0027672, MeSH D009386, MONDO:0015356.

Submission:

Color Diagnostics, LLC DBA Color Health
Classification: Uncertain significance for Hereditary cancer-predisposing syndrome. Last evaluated: 2019-09-04. Review status: criteria provided, single submitter. Criteria: ACMG Guidelines, 2015. Collection method: clinical testing. Allele origin: germline.
Comment: This variant causes an A>T nucleotide substitution at the +4 position of intron 6 of the PALB2 gene. Splice site prediction tools suggest that this variant may have a significant impact on RNA splicing. However, this prediction has not been confirmed in published RNA studies. This variant has not been reported in individuals affected with hereditary cancer in the literature. This variant has not been identified in the general population by the Genome Aggregation Database (gnomAD). The available evidence is insufficient to determine the role of this variant in disease conclusively. Therefore, this variant is classified as a Variant of Uncertain Significance.

NM_024675.4(PALB2):c.2586+4A>T

Gene: PALB2 (partner and localizer of BRCA2; minus strand). Cytogenetic location: 16p12.2.
Variant type: single nucleotide variant.
Coding change: c.2586+4A>T on transcript NM_024675.4 (MANE Select); 4 bases into the intron after coding-DNA position 2586, A replaced by T.
Molecular consequence: intron variant.
Genome position (GRCh38, 1-based): chr16:23,629,200, T>A on the plus strand (A>T on the coding strand, the complement: PALB2 is on the minus strand). VCF-style: chr16-23629200-T-A. GRCh37 (hg19) VCF-style: chr16-23640521-T-A.
Identifiers: ClinVar variation 927993 (VCV000927993.3), dbSNP rs1966853555, ClinGen allele CA1139664584.
Genomic context (GRCh38, chr16:23,629,200, plus strand): 5'-TTTTCAGTTCATTAAAGTTTTCATATGTAAGACACGAGACACTGGAAGAGAATATTCTTC[T>A]GACCTTTAACTCTGAAACCAATTGTAGGTTGCCTGGGTTTATGCTATCAGAAGCAGGAAG-3'